The following is an entry in ClinVar:

ClinVar aggregate classification (germline): Uncertain significance (1 of 4 stars; one submission).

Conditions:
MAGEL2-related disorder. Also called: MAGEL2-related condition.

gnomAD v4.1: 3 of 1,526,506 alleles (0.0002%); highest among the groups gnomAD compares: Non-Finnish European, 0.00026%; no homozygotes.

Submission:

PreventionGenetics, part of Exact Sciences
Classification: Uncertain significance for MAGEL2-related condition. Last evaluated: 2025-12-26. Review status: criteria provided, single submitter. Criteria: ACMG Guidelines, 2015. Collection method: clinical testing. Allele origin: germline.
Comment: The MAGEL2 c.633T>G variant is predicted to result in the amino acid substitution p.His211Gln. To our knowledge, this variant has not been reported in the literature or in a large population database (gnomAD), indicating this variant is rare. At this time, the clinical significance of this variant is uncertain due to the absence of conclusive functional and genetic evidence.

NM_019066.5(MAGEL2):c.633T>G (p.His211Gln)

Gene: MAGEL2 (MAGE family member L2; minus strand). Cytogenetic location: 15q11.2.
Variant type: single nucleotide variant.
Coding change: c.633T>G on transcript NM_019066.5 (MANE Select); coding-DNA position 633, T replaced by G.
Protein change: p.His211Gln; replaces histidine 211 with glutamine.
Molecular consequence: missense variant.
Genome position (GRCh38, 1-based): chr15:23,647,110, A>C on the plus strand (T>G on the coding strand, the complement: MAGEL2 is on the minus strand). VCF-style: chr15-23647110-A-C. GRCh37 (hg19) VCF-style: chr15-23892257-A-C.
Other names: short protein forms H211Q.
Identifiers: ClinVar variation 4991112 (VCV004991112.1).